The following is an entry in ClinVar:

NM_003803.4(MYOM1):c.2512G>A (p.Gly838Arg)

Gene: MYOM1 (myomesin 1; minus strand). Cytogenetic location: 18p11.31.
Variant type: single nucleotide variant.
Coding change: c.2512G>A on transcript NM_003803.4 (MANE Select); coding-DNA position 2512, G replaced by A.
Protein change: p.Gly838Arg; replaces glycine 838 with arginine.
Molecular consequence: missense variant. On other transcripts: intron variant (1).
Genome position (GRCh38, 1-based): chr18:3,129,514, C>T on the plus strand (G>A on the coding strand, the complement: MYOM1 is on the minus strand). VCF-style: chr18-3129514-C-T. GRCh37 (hg19) VCF-style: chr18-3129512-C-T.
Other names: c.2506+1861G>A (NM_019856.2); short protein forms G838R.
Identifiers: ClinVar variation 4844178 (VCV004844178.1).

ClinVar aggregate classification (germline): Uncertain significance (1 of 4 stars; one submission).

Submission:

Ambry Genetics
Classification: Uncertain significance. Last evaluated: 2026-02-19. Review status: criteria provided, single submitter. Criteria: Ambry Variant Classification Scheme 2023. Collection method: clinical testing. Allele origin: germline.
Comment: The p.G838R variant (also known as c.2512G>A), located in coding exon 17 of the MYOM1 gene, results from a G to A substitution at nucleotide position 2512. The glycine at codon 838 is replaced by arginine, an amino acid with dissimilar properties. This amino acid position is conserved. In addition, this alteration is predicted to be tolerated by in silico analysis. Based on the available evidence, the clinical significance of this variant remains unclear.